The following is an entry in ClinVar:

NC_000008.10:g.(?_100654029)_(100673729_?)del

Gene: VPS13B (vacuolar protein sorting 13 homolog B; plus strand). Cytogenetic location: 8q22.2.
Variant type: Deletion.
Identifiers: ClinVar variation 2426409 (VCV002426409.3).

ClinVar aggregate classification (germline): Pathogenic (1 of 4 stars; one submission).

Conditions:
Cohen syndrome (COH1). Also called: Cutis verticis gyrata, retinitis pigmentosa, and sensorineural deafness; PEPPER SYNDROME. Identifiers: Orphanet 193, MedGen C0265223, MONDO:0008999, OMIM 216550.

Submission:

Labcorp Genetics (formerly Invitae), Labcorp
Classification: Pathogenic for Cohen syndrome. Last evaluated: 2022-04-12. Review status: criteria provided, single submitter. Criteria: Invitae Variant Classification Sherloc (09022015). Collection method: clinical testing. Allele origin: germline.
Comment: This variant is a gross deletion of the genomic region encompassing exon(s) 34-35 of the VPS13B gene. This deletion is out-of-frame, and is expected to create a premature termination codon and result in an absent or disrupted protein product. Loss-of-function variants in VPS13B are known to be pathogenic (PMID: 15141358, 16648375, 20461111). This variant has not been reported in the literature in individuals affected with VPS13B-related conditions. For these reasons, this variant has been classified as Pathogenic.

Literature cited by the submitters: PubMed 15141358; PubMed 16648375; PubMed 20461111.